The following is an entry in ClinVar:

ClinVar aggregate classification (germline): Benign/Likely benign. Review status: criteria provided, multiple submitters, no conflicts (2 of 4 stars). 7 submissions from 7 submitters: Benign (1); Likely benign (5). 1 of the submissions does not count toward it. Last evaluated 2026-02-02.

Conditions:
Cardiovascular phenotype. Identifiers: MedGen CN230736.
ZNF469-related disorder. Also called: ZNF469-related condition.

Allele frequency attached by ClinVar (database versions not stated): gnomAD exomes 0.00045 and 0.00081; 1000 Genomes Project 30x 0.00047; 1000 Genomes Project 0.00060; ExAC 0.00195; gnomAD 0.00029 and 0.00038; TOPMed 0.00036.
gnomAD v4.1: 700 of 1,550,038 alleles (0.045%); highest among the groups gnomAD compares: Middle Eastern, 0.73%; 6 homozygotes.

Submissions (7):

Labcorp Genetics (formerly Invitae), Labcorp
Classification: Likely benign. Last evaluated: 2026-02-02. Review status: criteria provided, single submitter. Criteria: Invitae Variant Classification Sherloc (09022015). Collection method: clinical testing. Allele origin: germline.

Women's Health and Genetics/Laboratory Corporation of America, LabCorp
Classification: Likely benign. Last evaluated: 2025-10-15. Review status: criteria provided, single submitter. Criteria: LabCorp Variant Classification Summary - May 2015. Collection method: clinical testing. Allele origin: germline.
Comment: Variant summary: ZNF469 c.4376T>G (p.Leu1459Arg) results in a non-conservative amino acid change in the encoded protein sequence. Algorithms developed to predict the effect of missense changes on protein structure and function are either unavailable or do not agree on the potential impact of this missense change. The variant allele was found at a frequency of 0.00081 in 153580 control chromosomes, predominantly at a frequency of 0.0033 within the South Asian subpopulation in the gnomAD database. The observed variant frequency within South Asian control individuals in the gnomAD database exceeds the estimated maximal expected allele frequency for disease-causing variants in ZNF469. To our knowledge, no occurrence of c.4376T>G in individuals affected with ZNF469-related conditions and no experimental evidence demonstrating its impact on protein function have been reported. ClinVar contains an entry for this variant (Variation ID: 320921). Based on the evidence outlined above, the variant was classified as likely benign.

CeGaT Center for Human Genetics Tuebingen
Classification: Likely benign. Last evaluated: 2025-03-01. Review status: criteria provided, single submitter. Criteria: CeGaT Center For Human Genetics Tuebingen Variant Classification Criteria Version 2. Collection method: clinical testing. Allele origin: germline. Affected: yes. Observed: 6 variant alleles.
Comment: ZNF469: BP4

Mayo Clinic Laboratories, Mayo Clinic
Classification: Benign. Last evaluated: 2024-04-19. Review status: criteria provided, single submitter. Criteria: ACMG Guidelines, 2015. Collection method: clinical testing. Allele origin: germline. Observed: 3 variant alleles.
Comment: BS1, BS2, BP4

Ambry Genetics
Classification: Likely benign for Cardiovascular phenotype. Last evaluated: 2022-05-31. Review status: criteria provided, single submitter. Criteria: Ambry Variant Classification Scheme 2023. Collection method: clinical testing. Allele origin: germline.

GeneDx
Classification: Likely benign. Last evaluated: 2021-05-11. Review status: criteria provided, single submitter. Criteria: GeneDx Variant Classification Process June 2021. Collection method: clinical testing. Allele origin: germline. Affected: yes.
Comment: This variant is associated with the following publications: (PMID: 28622062)

PreventionGenetics, part of Exact Sciences
Classification: Likely benign for ZNF469-related condition. Last evaluated: 2022-04-04. Review status: no assertion criteria provided. Collection method: clinical testing. Allele origin: germline. Not counted in ClinVar's aggregate classification.
Comment: This variant is classified as likely benign based on ACMG/AMP sequence variant interpretation guidelines (Richards et al. 2015 PMID: 25741868, with internal and published modifications).

NM_001367624.2(ZNF469):c.4376T>G (p.Leu1459Arg)

Gene: ZNF469 (zinc finger protein 469; plus strand). Cytogenetic location: 16q24.2.
Variant type: single nucleotide variant.
Coding change: c.4376T>G on transcript NM_001367624.2 (MANE Select); coding-DNA position 4376, T replaced by G.
Protein change: p.Leu1459Arg; replaces leucine 1459 with arginine.
Molecular consequence: missense variant.
Genome position (GRCh38, 1-based): chr16:88,431,846, T>G. VCF-style: chr16-88431846-T-G. GRCh37 (hg19) VCF-style: chr16-88498254-T-G.
Other names: NM_001127464.1:c.4292T>G; NM_001127464.2:c.4292T>G; p.Leu1459Arg; short protein forms L1459R.
Identifiers: ClinVar variation 320921 (VCV000320921.53), dbSNP rs559625962, ClinGen allele CA8224944.